The following is an entry in ClinVar:

NM_001042492.3(NF1):c.3569G>A (p.Gly1190Asp)

Gene: NF1 (neurofibromin 1; plus strand). Cytogenetic location: 17q11.2.
Variant type: single nucleotide variant.
Coding change: c.3569G>A on transcript NM_001042492.3 (MANE Select); coding-DNA position 3569, G replaced by A.
Protein change: p.Gly1190Asp; replaces glycine 1190 with aspartic acid.
Molecular consequence: missense variant.
Genome position (GRCh38, 1-based): chr17:31,233,074, G>A. VCF-style: chr17-31233074-G-A. GRCh37 (hg19) VCF-style: chr17-29560092-G-A.
Other names: c.3569G>A, p.Gly1190Asp (NM_000267.4); short protein forms G1190D.
Identifiers: ClinVar variation 457656 (VCV000457656.11), dbSNP rs1555615032, ClinGen allele CA398990092.

ClinVar aggregate classification (germline): Pathogenic/Likely pathogenic. Review status: criteria provided, multiple submitters, no conflicts (2 of 4 stars). 3 submissions from 3 submitters: Pathogenic (1); Likely pathogenic (2). Last evaluated 2026-08-04.

Conditions:
Hereditary cancer-predisposing syndrome. Also called: Neoplastic Syndromes, Hereditary; Hereditary neoplastic syndrome; Hereditary Cancer Syndrome; Tumor predisposition. Identifiers: Orphanet 140162, MedGen C0027672, MeSH D009386, MONDO:0015356.
Cardiovascular phenotype. Identifiers: MedGen CN230736.
Neurofibromatosis, type 1 (NF1). Also called: VON RECKLINGHAUSEN DISEASE; Neurofibromatosis, type I; Peripheral type neurofibromatosis; NEUROFIBROMATOSIS, TYPE I, SOMATIC. Identifiers: Orphanet 636, MedGen C0027831, MONDO:0018975, OMIM 162200. Disease mechanism: loss of function.

Submissions (3):

Ambry Genetics
Classification: Likely pathogenic for Cardiovascular phenotype; Hereditary cancer-predisposing syndrome. Last evaluated: 2026-08-04. Review status: criteria provided, single submitter. Criteria: Ambry Variant Classification Scheme 2023. Collection method: clinical testing. Allele origin: germline.
Comment: The p.G1190D variant (also known as c.3569G>A), located in coding exon 27 of the NF1 gene, results from a G to A substitution at nucleotide position 3569. The glycine at codon 1190 is replaced by aspartic acid, an amino acid with similar properties. This variant was reported in individual(s) with features consistent with neurofibromatosis (NF1) (van Minkelen R et al. Clin Genet, 2014 Apr;85:318-27; external communication). Based on internal structural analysis, G1190D is deleterious. The variant is mildly destabilizing to the local structure (Ambry internal data). Other variant(s) at the same codon, p.G1190S (c.3568G>A), have been identified in individual(s) with features consistent with neurofibromatosis (NF1) (Sabbagh A et al. Hum. Mutat., 2013 Nov;34:1510-8; Cal&igrave; F et al. Eur J Med Genet, 2016 Nov.). This amino acid position is highly conserved in available vertebrate species. In addition, this alteration is predicted to be deleterious by in silico analysis. This variant is considered to be rare based on population cohorts in the Genome Aggregation Database (gnomAD). Based on the majority of available evidence to date, this variant is likely to be pathogenic.

Institute of Human Genetics Munich, TUM University Hospital
Classification: Likely pathogenic for Neurofibromatosis, type 1. Last evaluated: 2025-03-26. Review status: criteria provided, single submitter. Criteria: Classification criteria August 2017. Collection method: clinical testing. Allele origin: germline. Inheritance: Autosomal dominant inheritance. Affected: yes. Observed: 1 variant allele.

Labcorp Genetics (formerly Invitae), Labcorp
Classification: Pathogenic for Neurofibromatosis, type 1. Last evaluated: 2024-10-15. Review status: criteria provided, single submitter. Criteria: Invitae Variant Classification Sherloc (09022015). Collection method: clinical testing. Allele origin: germline.
Comment: This sequence change replaces glycine, which is neutral and non-polar, with aspartic acid, which is acidic and polar, at codon 1190 of the NF1 protein (p.Gly1190Asp). This variant is not present in population databases (gnomAD no frequency). This missense change has been observed in individual(s) with neurofibromatosis type 1 (PMID: 23656349; internal data). In at least one individual the variant was observed to be de novo. ClinVar contains an entry for this variant (Variation ID: 457656). Invitae Evidence Modeling of protein sequence and biophysical properties (such as structural, functional, and spatial information, amino acid conservation, physicochemical variation, residue mobility, and thermodynamic stability) indicates that this missense variant is expected to disrupt NF1 protein function with a positive predictive value of 95%. This variant disrupts the p.Gly1190 amino acid residue in NF1. Other variant(s) that disrupt this residue have been determined to be pathogenic (PMID: 23913538, 27838393, 31730495). This suggests that this residue is clinically significant, and that variants that disrupt this residue are likely to be disease-causing. For these reasons, this variant has been classified as Pathogenic.

Literature cited by the submitters: PubMed 23656349 (cited by Ambry Genetics and Labcorp Genetics (formerly Invitae), Labcorp); PubMed 23913538 (cited by Labcorp Genetics (formerly Invitae), Labcorp); PubMed 27838393 (cited by Labcorp Genetics (formerly Invitae), Labcorp); PubMed 31730495 (cited by Labcorp Genetics (formerly Invitae), Labcorp).